The following is an entry in ClinVar:

NM_000257.4(MYH7):c.4361C>A (p.Ala1454Asp)

Genes: MYH7 (myosin heavy chain 7; minus strand), MHRT (myosin heavy chain associated RNA transcript; plus strand). Cytogenetic location: 14q11.2.
Variant type: single nucleotide variant.
Coding change: c.4361C>A on transcript NM_000257.4 (MANE Select); coding-DNA position 4361, C replaced by A.
Protein change: p.Ala1454Asp; replaces alanine 1454 with aspartic acid.
Molecular consequence: missense variant. On other transcripts: non-coding transcript variant (1).
Genome position (GRCh38, 1-based): chr14:23,417,311, G>T on the plus strand (C>A on the coding strand, the complement: MYH7 is on the minus strand). VCF-style: chr14-23417311-G-T. GRCh37 (hg19) VCF-style: chr14-23886520-G-T.
Other names: short protein forms A1454D.
Identifiers: ClinVar variation 1028642 (VCV001028642.1), dbSNP rs1892259980, ClinGen allele CA389038921.

ClinVar aggregate classification (germline): Uncertain significance (1 of 4 stars; one submission).

Conditions:
Dilated cardiomyopathy 1S (CMD1S). Identifiers: Orphanet 154, Orphanet 54260, MedGen C1834481, MONDO:0013262, OMIM 613426.

Submission:

Baylor Genetics
Classification: Uncertain significance for Dilated cardiomyopathy 1S. Last evaluated: 2020-06-08. Review status: criteria provided, single submitter. Criteria: ACMG Guidelines, 2015. Collection method: clinical testing. Allele origin: unknown. Affected: yes.
Comment: This variant was determined to be of uncertain significance according to ACMG Guidelines, 2015 [PMID:25741868].